The following is an entry in ClinVar:

NM_007294.4(BRCA1):c.3918G>C (p.Leu1306Phe)

Genes: BRCA1 (BRCA1 DNA repair associated; minus strand), LOC126862571 (BRD4-independent group 4 enhancer GRCh37_chr17:41243136-41244335; plus strand). Cytogenetic location: 17q21.31.
Variant type: single nucleotide variant.
Coding change: c.3918G>C on transcript NM_007294.4 (MANE Select); coding-DNA position 3918, G replaced by C.
Protein change: p.Leu1306Phe; replaces leucine 1306 with phenylalanine.
Molecular consequence: missense variant. On other transcripts: intron variant (135).
Genome position (GRCh38, 1-based): chr17:43,091,613, C>G on the plus strand (G>C on the coding strand, the complement: BRCA1 is on the minus strand). VCF-style: chr17-43091613-C-G. GRCh37 (hg19) VCF-style: chr17-41243630-C-G.
Other names: c.662-581G>C (NM_001408434.1, NM_001408447.1, NM_001408433.1 and 6 more transcripts); c.785-581G>C (NM_001408398.1, NM_001407992.1, NM_001408400.1 and 13 more transcripts); c.665-581G>C (NM_001408440.1, NM_001408428.1, NM_001408441.1 and 12 more transcripts); c.3705G>C, p.Leu1235Phe (NM_001407571.1, NM_001407853.1, NM_001407894.1 and 9 more transcripts); c.3918G>C, p.Leu1306Phe (NM_001407581.1, NM_001407582.1, NM_001407583.1 and 30 more transcripts); c.671-581G>C (NM_001408418.1, NM_001408423.1, NM_001408420.1 and 2 more transcripts); c.788-581G>C (NM_001407981.1, NM_007298.4, NM_001407978.1 and 17 more transcripts); c.644-581G>C (NM_001408462.1, NM_001408470.1, NM_001408464.1 and 3 more transcripts); and 41 more; short protein forms L1306F, L1259F, L1179F, L1194F, L1217F, L1236F, L1258F, L1280F.
Identifiers: ClinVar variation 185302 (VCV000185302.8), dbSNP rs786202068, ClinGen allele CA002520.
Genomic context (GRCh38, chr17:43,091,613, plus strand): 5'-ATGCCTCATTTGTTTGGAAGAACCAATCAAGAAAGGATCCTGGGTGTTTGTATTTGCAGT[C>G]AAGTCTTCCAATTCACTGCACTGTGAAGAAAACAAGCTAGCAGAACATTTTGTTTCCTCA-3'
Protein context (NP_009225.1, residues 1296-1316): FSSQCSELED[Leu1306Phe]TANTNTQDPF

ClinVar aggregate classification (germline): Conflicting classifications of pathogenicity. Review status: criteria provided, conflicting classifications (1 of 4 stars). 2 submissions from 2 submitters: Uncertain significance (1); Likely benign (1). Last evaluated 2023-03-23.

Conditions:
Hereditary cancer-predisposing syndrome. Also called: Hereditary neoplastic syndrome; Neoplastic Syndromes, Hereditary; Tumor predisposition; Hereditary Cancer Syndrome. Identifiers: Orphanet 140162, MedGen C0027672, MeSH D009386, MONDO:0015356.

Submissions (2):

University of Washington Department of Laboratory Medicine, University of Washington
Classification: Likely benign for Hereditary cancer-predisposing syndrome. Last evaluated: 2023-03-23. Review status: criteria provided, single submitter. Criteria: Dines et al. (Genet Med. 2020). Collection method: curation. Allele origin: germline.
Comment: Missense variant in a coldspot region where missense variants are very unlikely to be pathogenic (PMID:31911673).

BRCA1 coldspot (exon 11 using historical exon numbering). Reclassification based on statistical prior probability

Ambry Genetics
Classification: Uncertain significance for Hereditary cancer-predisposing syndrome. Last evaluated: 2021-02-25. Review status: criteria provided, single submitter. Criteria: Ambry Variant Classification Scheme 2023. Collection method: clinical testing. Allele origin: germline.
Comment: The p.L1306F variant (also known as c.3918G>C), located in coding exon 9 of the BRCA1 gene, results from a G to C substitution at nucleotide position 3918. The leucine at codon 1306 is replaced by phenylalanine, an amino acid with highly similar properties. This amino acid position is not well conserved in available vertebrate species. In addition, the in silico prediction for this alteration is inconclusive. Since supporting evidence is limited at this time, the clinical significance of this alteration remains unclear.